The following is an entry in ClinVar:

NM_024642.5(GALNT12):c.116C>T (p.Ala39Val)

Gene: GALNT12 (polypeptide N-acetylgalactosaminyltransferase 12; plus strand). Cytogenetic location: 9q22.33.
Variant type: single nucleotide variant.
Coding change: c.116C>T on transcript NM_024642.5 (MANE Select); coding-DNA position 116, C replaced by T.
Protein change: p.Ala39Val; replaces alanine 39 with valine.
Molecular consequence: missense variant.
Genome position (GRCh38, 1-based): chr9:98,807,814, C>T. VCF-style: chr9-98807814-C-T. GRCh37 (hg19) VCF-style: chr9-101570096-C-T.
Other names: short protein forms A39V.
Identifiers: ClinVar variation 2447045 (VCV002447045.2), dbSNP rs1178651943, ClinGen allele CA374222312.

ClinVar aggregate classification (germline): Uncertain significance (1 of 4 stars; one submission).

Submission:

Ambry Genetics
Classification: Uncertain significance. Last evaluated: 2023-02-02. Review status: criteria provided, single submitter. Criteria: Ambry Variant Classification Scheme 2023. Collection method: clinical testing. Allele origin: germline.
Comment: The p.A39V variant (also known as c.116C>T), located in coding exon 1 of the GALNT12 gene, results from a C to T substitution at nucleotide position 116. The alanine at codon 39 is replaced by valine, an amino acid with similar properties. This amino acid position is not well conserved in available vertebrate species. In addition, this alteration is predicted to be tolerated by in silico analysis. The evidence for this gene-disease relationship is limited; therefore, the clinical significance of this alteration is unclear.